The following is an entry in ClinVar:

ClinVar aggregate classification (germline): Uncertain significance (1 of 4 stars; one submission).

Conditions:
Charcot-Marie-Tooth disease axonal type 2O. Also called: CHARCOT-MARIE-TOOTH NEUROPATHY, AXONAL, TYPE 2O; CHARCOT-MARIE-TOOTH DISEASE, AXONAL, AUTOSOMAL DOMINANT, TYPE 2O; Charcot-Marie-Tooth Neuropathy Type 2O; Charcot-Marie-Tooth disease, axonal, type 20. Identifiers: Orphanet 284232, MedGen C3280220, MONDO:0013644, OMIM 614228.

Submission:

Labcorp Genetics (formerly Invitae), Labcorp
Classification: Uncertain significance for Charcot-Marie-Tooth disease axonal type 2O. Last evaluated: 2020-12-10. Review status: criteria provided, single submitter. Criteria: Invitae Variant Classification Sherloc (09022015). Collection method: clinical testing. Allele origin: germline.
Comment: In summary, the available evidence is currently insufficient to determine the role of this variant in disease. Therefore, it has been classified as a Variant of Uncertain Significance. Algorithms developed to predict the effect of sequence changes on RNA splicing suggest that this variant may disrupt the consensus splice site, but this prediction has not been confirmed by published transcriptional studies. This variant has not been reported in the literature in individuals with DYNC1H1-related conditions. This variant is not present in population databases (ExAC no frequency). This variant results in the deletion of part of exon 70 (c.12514-2_12518del) of the DYNC1H1 gene. It is expected to disrupt RNA splicing. Variants that disrupt the donor or acceptor splice site typically lead to a loss of protein function (PMID: 16199547), however the current clinical and genetic evidence is not sufficient to establish whether loss-of-function variants in DYNC1H1 cause disease.

Literature cited by the submitters: PubMed 16199547.

NM_001376.5(DYNC1H1):c.12514-2_12518del

Gene: DYNC1H1 (dynein cytoplasmic 1 heavy chain 1; plus strand). Cytogenetic location: 14q32.31.
Variant type: Deletion.
Coding change: c.12514-2_12518del on transcript NM_001376.5 (MANE Select); the canonical splice acceptor site of the intron before coding-DNA position 12514 through coding-DNA position 12518, 7 bases deleted (AGTCTCC; older notation c.12514-2_12518delAGTCTCC).
Molecular consequence: splice acceptor variant.
Genome position (GRCh38, 1-based): chr14:102,043,873-102,043,879, AGTCTCC deleted; deleting any 7 consecutive bases within chr14:102,043,871-102,043,879 gives the same sequence; the c. name uses the placement nearest the transcript's 3' end. VCF-style (leftmost placement, unchanged base first): chr14-102043870-ACCAGTCT-A. GRCh37 (hg19) VCF-style: chr14-102510207-ACCAGTCT-A.
Identifiers: ClinVar variation 1353477 (VCV001353477.6), dbSNP rs2152597446, ClinGen allele CA2573150412.
Genomic context (GRCh38, chr14:102,043,870, plus strand): 5'-TCTGCACTGTTCTTGGCGAAGTGCTGTTTTCTAATGACTCTGTGCTTGGTCACTTTCCTC[ACCAGTCT>A]CCCAACGAGCGTGCCCGCTTGTACTTCCTGCTGGCCTGGTTTCATGCGATCATCCAAGAA-3'